The following is an entry in ClinVar:

NM_003611.3(OFD1):c.748G>T (p.Glu250Ter)

Gene: OFD1 (OFD1 centriole and centriolar satellite protein; plus strand). Cytogenetic location: Xp22.2.
Variant type: single nucleotide variant.
Coding change: c.748G>T on transcript NM_003611.3 (MANE Select); coding-DNA position 748, G replaced by T.
Protein change: p.Glu250Ter; replaces glutamic acid 250 with a stop codon.
Molecular consequence: nonsense.
Genome position (GRCh38, 1-based): chrX:13,746,873, G>T. VCF-style: chrX-13746873-G-T. GRCh37 (hg19) VCF-style: chrX-13764992-G-T.
Other names: c.748G>T, p.Glu250Ter (NM_001330209.2); c.328G>T, p.Glu110Ter (NM_001330210.2); short protein forms E250*, E110*.
Identifiers: ClinVar variation 532264 (VCV000532264.7), dbSNP rs1555902866, ClinGen allele CA412338029.

ClinVar aggregate classification (germline): Pathogenic (1 of 4 stars; one submission).

Conditions:
Joubert syndrome. Also called: CEREBELLOPARENCHYMAL DISORDER IV; JOUBERT-BOLTSHAUSER SYNDROME; Familial aplasia of the vermis. Identifiers: Orphanet 475, MedGen C5979921, MONDO:0018772.
Orofaciodigital syndrome I (OFD1). Also called: OFDS I; Papillon-Leage and Psaume Syndrome; Oral-Facial-Digital Syndrome Type I. Identifiers: Orphanet 2750, MedGen C1510460, MONDO:0010702, OMIM 311200.

Submission:

Labcorp Genetics (formerly Invitae), Labcorp
Classification: Pathogenic for Orofaciodigital syndrome I; Joubert syndrome. Last evaluated: 2017-09-03. Review status: criteria provided, single submitter. Criteria: Invitae Variant Classification Sherloc (09022015). Collection method: clinical testing. Allele origin: germline.
Comment: This variant is not present in population databases (ExAC no frequency). For these reasons, this variant has been classified as Pathogenic. Loss-of-function variants in OFD1 are known to be pathogenic (PMID: 16783569, 18546297, 27081566). This variant has not been reported in the literature in individuals with OFD1-related disease. This sequence change creates a premature translational stop signal (p.Glu250*) in the OFD1 gene. It is expected to result in an absent or disrupted protein product.

Literature cited by the submitters: PubMed 16783569; PubMed 18546297; PubMed 27081566.